The following is an entry in ClinVar:

NM_004958.4(MTOR):c.850G>A (p.Glu284Lys)

Gene: MTOR (mechanistic target of rapamycin kinase; minus strand). Cytogenetic location: 1p36.22.
Variant type: single nucleotide variant.
Coding change: c.850G>A on transcript NM_004958.4 (MANE Select); coding-DNA position 850, G replaced by A.
Protein change: p.Glu284Lys; replaces glutamic acid 284 with lysine.
Molecular consequence: missense variant. On other transcripts: 5 prime UTR variant (1).
Genome position (GRCh38, 1-based): chr1:11,248,085, C>T on the plus strand (G>A on the coding strand, the complement: MTOR is on the minus strand). VCF-style: chr1-11248085-C-T. GRCh37 (hg19) VCF-style: chr1-11308142-C-T.
Other names: c.850G>A, p.Glu284Lys (NM_001386500.1); c.-290G>A (NM_001386501.1); short protein forms E284K.
Identifiers: ClinVar variation 2813770 (VCV002813770.3), dbSNP rs1257311632, ClinGen allele CA338400906.

ClinVar aggregate classification (germline): Uncertain significance (1 of 4 stars; one submission).

Allele frequency attached by ClinVar (database versions not stated): gnomAD exomes below 0.00001; TOPMed below 0.00001; gnomAD 0.00001.
gnomAD v4.1: 2 of 1,606,044 alleles (0.00012%); highest among the groups gnomAD compares: Non-Finnish European, 0.00017%; no homozygotes.

Submission:

Labcorp Genetics (formerly Invitae), Labcorp
Classification: Uncertain significance. Last evaluated: 2024-06-24. Review status: criteria provided, single submitter. Criteria: Invitae Variant Classification Sherloc (09022015). Collection method: clinical testing. Allele origin: germline.
Comment: This sequence change replaces glutamic acid, which is acidic and polar, with lysine, which is basic and polar, at codon 284 of the MTOR protein (p.Glu284Lys). This variant is not present in population databases (gnomAD no frequency). This variant has not been reported in the literature in individuals affected with MTOR-related conditions. Advanced modeling of protein sequence and biophysical properties (such as structural, functional, and spatial information, amino acid conservation, physicochemical variation, residue mobility, and thermodynamic stability) performed at Invitae indicates that this missense variant is not expected to disrupt MTOR protein function with a negative predictive value of 95%. In summary, the available evidence is currently insufficient to determine the role of this variant in disease. Therefore, it has been classified as a Variant of Uncertain Significance.